The following is an entry in ClinVar:

ClinVar aggregate classification (germline): Likely pathogenic (1 of 4 stars; one submission).

Conditions:
Cohen syndrome (COH1). Also called: PEPPER SYNDROME; Cutis verticis gyrata, retinitis pigmentosa, and sensorineural deafness. Identifiers: Orphanet 193, MedGen C0265223, MONDO:0008999, OMIM 216550.

Submission:

Natera, Inc.
Classification: Likely pathogenic for Cohen syndrome. Last evaluated: 2024-03-04. Review status: criteria provided, single submitter. Criteria: Natera Variant Classification Schema (03/2026). Collection method: clinical testing. Allele origin: germline.
Comment: The c.2495dupA variant in VPS13B is a frameshift variant predicted to shift the reading frame beginning at codon 832 and leads to a stop codon 2 codons downstream. This variant is expected to result in nonsense mediated decay, truncation, or a dysfunctional protein product. This variant is rare in the general population with a frequency below the threshold expected for the associated phenotype(s). Given the available evidence, this variant is classified as Likely Pathogenic.

NM_152564.5(VPS13B):c.2495dup (p.Asn832fs)

Gene: VPS13B (vacuolar protein sorting 13 homolog B; plus strand). Cytogenetic location: 8q22.2.
Variant type: Duplication.
Coding change: c.2495dup on transcript NM_152564.5 (MANE Select); coding-DNA position 2495, one base duplicated (A; older notation c.2495dupA).
Protein change: p.Asn832fs; shifts the reading frame from asparagine 832.
Molecular consequence: frameshift variant.
Genome position (GRCh38, 1-based): chr8:99,193,037, A duplicated; the last of 3 consecutive A bases (chr8:99,193,035-99,193,037); duplicating any one gives the same sequence. VCF-style (leftmost placement, unchanged base first): chr8-99193034-T-TA. GRCh37 (hg19) VCF-style: chr8-100205262-T-TA.
Other names: c.2495dup, p.Asn832fs (NM_015243.3, NM_017890.5); c.2495dupA (NM_017890.4); short protein forms N832fs.
Identifiers: ClinVar variation 4815941 (VCV004815941.1).